The following is an entry in ClinVar:

NM_004004.6(GJB2):c.388G>C (p.Gly130Arg)

Gene: GJB2 (gap junction protein beta 2; minus strand). Cytogenetic location: 13q12.11.
Variant type: single nucleotide variant.
Coding change: c.388G>C on transcript NM_004004.6 (MANE Select); coding-DNA position 388, G replaced by C.
Protein change: p.Gly130Arg; replaces glycine 130 with arginine.
Molecular consequence: missense variant.
Genome position (GRCh38, 1-based): chr13:20,189,194, C>G on the plus strand (G>C on the coding strand, the complement: GJB2 is on the minus strand). VCF-style: chr13-20189194-C-G. GRCh37 (hg19) VCF-style: chr13-20763333-C-G.
Other names: short protein forms G130R.
Identifiers: ClinVar variation 3376884 (VCV003376884.2).

ClinVar aggregate classification (germline): Likely pathogenic. Review status: criteria provided, multiple submitters, no conflicts (2 of 4 stars). 2 submissions from 2 submitters: Likely pathogenic (2). Last evaluated 2025-01-09.

Conditions:
Autosomal recessive nonsyndromic hearing loss 1A (DFNB1A). Also called: GJB6-Related DFNB 1 Nonsyndromic Hearing Loss and Deafness; Connexin 26 deafness; Deafness nonsyndromic, Connexin 26 linked; GJB2-Related Autosomal Recessive Nonsyndromic Hearing Loss; Deafness, autosomal recessive 1A; Nonsyndromic Hearing Loss and Deafness, DFNB1. Identifiers: Orphanet 90636, MedGen C2673759, MONDO:0009076, OMIM 220290.
Autosomal dominant nonsyndromic hearing loss 3A. Identifiers: Orphanet 90635, MedGen C2675750, MONDO:0011103, OMIM 601544.

Submissions (2):

Institute of Rare Diseases, West China Hospital, Sichuan University
Classification: Likely pathogenic for Autosomal recessive nonsyndromic hearing loss 1A. Last evaluated: 2025-01-09. Review status: criteria provided, single submitter. Criteria: ClinGen HL ACMG Specifications v1. Collection method: research. Allele origin: germline. Affected: yes.
Comment: PM3;PM5;PM2_Supporting;PP3

Victorian Clinical Genetics Services, Murdoch Childrens Research Institute
Classification: Likely pathogenic for Autosomal dominant nonsyndromic hearing loss 3A. Last evaluated: 2020-06-11. Review status: criteria provided, single submitter. Criteria: ACMG Guidelines, 2015. Collection method: clinical testing. Allele origin: germline. Inheritance: Autosomal dominant inheritance.
Comment: Based on the classification scheme VCGS_Germline_v1.1.1, this variant is classified as likely pathogenic. Following criteria are met: 0102 - Loss-of-function is a known mechanism of disease for this gene. (N) 0104 - Dominant Negative is a mechanism of disease for this gene. (N) 0108 - This gene is known to be associated with both recessive and dominant disease. The autosomal dominant diseases are commonly associated with pathogenic missense variants. The autosomal recessive disease is associated with bi-allelic loss-of-function variants and includes missense and protein-truncating variants. (NIH Genetics Home Reference; PMID: 12792423) (N) 0112 - Variants in this gene are known to have reduced penetrance (OMIM; PMID:17935238). (N) 0200 - Variant is predicted to result in a missense amino acid change from glycine to arginine (exon 2). (N) 0251 - Variant is heterozygous. (N) 0301 - Variant is absent from gnomAD. (P) 0309 - An alternative amino acid change at the same position has been observed in gnomAD (p.(Gly130Asp), 1 heterozygote, 0 homozygotes). (N) 0501 - Missense variant consistently predicted to be damaging by multiple in silico tools or highly conserved with a major amino acid change. (P) 0600 - Variant is located in an annotated domain or motif (connexin domain; NCBI, PDB). (N) 0702 - Comparable variants have strong previous evidence for pathogenicity. Alternative changes p.(Gly130Ala) and p.(Gly130Val) have been reported as pathogenic/likely pathogenic in many patients with autosomal dominant or recessive deafness (ClinVar; Deafness Variation Database; PMIDs: 12792423, 31992338, 31419744). In addition, p.(Gly130Asp) has been reported in a patient with hearing loss but with inconsistent interpretations (Deafness Variation Database; PMID: 17666888). (P) 0807 - Variant has not previously been reported in a clinical context. (N) 0905 - No segregation evidence has been previously reported for this variant. (N) 1007 - No published functional evidence has been identified for this variant. (N) 1208 - Inheritance information for this variant is not currently available. (N) Legend: (P) - Pathogenic, (N) - Neutral, (B) - Benign

Literature cited by the submitters: PubMed 12792423 (cited by Victorian Clinical Genetics Services, Murdoch Childrens Research Institute); PubMed 17666888 (cited by Victorian Clinical Genetics Services, Murdoch Childrens Research Institute); PubMed 17935238 (cited by Victorian Clinical Genetics Services, Murdoch Childrens Research Institute); PubMed 31419744 (cited by Victorian Clinical Genetics Services, Murdoch Childrens Research Institute); PubMed 31992338 (cited by Victorian Clinical Genetics Services, Murdoch Childrens Research Institute).